The following is an entry in ClinVar:

NM_000052.7(ATP7A):c.2938C>G (p.Arg980Gly)

Gene: ATP7A (ATPase copper transporting alpha; plus strand). Cytogenetic location: Xq21.1.
Variant type: single nucleotide variant.
Coding change: c.2938C>G on transcript NM_000052.7 (MANE Select); coding-DNA position 2938, C replaced by G.
Protein change: p.Arg980Gly; replaces arginine 980 with glycine.
Molecular consequence: missense variant.
Genome position (GRCh38, 1-based): chrX:78,029,271, C>G. VCF-style: chrX-78029271-C-G. GRCh37 (hg19) VCF-style: chrX-77284768-C-G.
Other names: c.2704C>G, p.Arg902Gly (NM_001282224.2); short protein forms R902G, R980G.
Identifiers: ClinVar variation 1985648 (VCV001985648.4), dbSNP rs72554649, ClinGen allele CA413603051.
Genomic context (GRCh38, chrX:78,029,271, plus strand): 5'-TCTAAATCAATAACCAAAATTTATGCCTTTCTTCTAAAGGGCTACAATAGAAGTATCTCC[C>G]GAACAGAAACGATAATACGATTTGCTTTCCAAGCCTCTATCACAGTTCTGTGTATTGCAT-3'
Protein context (NP_000043.4, residues 970-990): YFPGYNRSIS[Arg980Gly]TETIIRFAFQ

ClinVar aggregate classification (germline): Uncertain significance (1 of 4 stars; one submission).

Conditions:
Menkes kinky-hair syndrome (MNK). Also called: Classic Menkes Disease; Copper transport disease; Menkes Disease. Identifiers: Orphanet 565, MedGen C0022716, MONDO:0010651, OMIM 309400.
X-linked distal spinal muscular atrophy type 3. Also called: NEURONOPATHY, DISTAL HEREDITARY MOTOR, X-LINKED; NEUROPATHY, DISTAL HEREDITARY MOTOR, X-LINKED; ATP7A-Related Distal Motor Neuropathy; SPINAL MUSCULAR ATROPHY, DISTAL, X-LINKED RECESSIVE. Identifiers: Orphanet 139557, MedGen C1845359, MONDO:0010338, OMIM 300489.
Cutis laxa, X-linked (OHS). Also called: EDS IX; Occipital horn syndrome. Identifiers: Orphanet 198, MedGen C0268353, MONDO:0010572, OMIM 304150.

Submission:

Labcorp Genetics (formerly Invitae), Labcorp
Classification: Uncertain significance for X-linked distal spinal muscular atrophy type 3; Cutis laxa, X-linked; Menkes kinky-hair syndrome. Last evaluated: 2024-02-24. Review status: criteria provided, single submitter. Criteria: Invitae Variant Classification Sherloc (09022015). Collection method: clinical testing. Allele origin: germline.
Comment: This sequence change replaces arginine, which is basic and polar, with glycine, which is neutral and non-polar, at codon 980 of the ATP7A protein (p.Arg980Gly). This variant is not present in population databases (gnomAD no frequency). This variant has not been reported in the literature in individuals affected with ATP7A-related conditions. ClinVar contains an entry for this variant (Variation ID: 1985648). Advanced modeling of protein sequence and biophysical properties (such as structural, functional, and spatial information, amino acid conservation, physicochemical variation, residue mobility, and thermodynamic stability) performed at Invitae indicates that this missense variant is not expected to disrupt ATP7A protein function with a negative predictive value of 95%. In summary, the available evidence is currently insufficient to determine the role of this variant in disease. Therefore, it has been classified as a Variant of Uncertain Significance.